The following is an entry in ClinVar:

NM_003482.4(KMT2D):c.14366C>G (p.Ser4789Cys)

Gene: KMT2D (lysine methyltransferase 2D; minus strand). Cytogenetic location: 12q13.12.
Variant type: single nucleotide variant.
Coding change: c.14366C>G on transcript NM_003482.4 (MANE Select); coding-DNA position 14366, C replaced by G.
Protein change: p.Ser4789Cys; replaces serine 4789 with cysteine.
Molecular consequence: missense variant.
Genome position (GRCh38, 1-based): chr12:49,028,844, G>C on the plus strand (C>G on the coding strand, the complement: KMT2D is on the minus strand). VCF-style: chr12-49028844-G-C. GRCh37 (hg19) VCF-style: chr12-49422627-G-C.
Other names: short protein forms S4789C.
Identifiers: ClinVar variation 2704834 (VCV002704834.3), dbSNP rs2120386608, ClinGen allele CA384695794.

ClinVar aggregate classification (germline): Uncertain significance (1 of 4 stars; one submission).

Conditions:
Kabuki syndrome. Also called: Kabuki make-up syndrome; NIIKAWA-KUROKI SYNDROME. Identifiers: Orphanet 2322, MedGen C0796004, MONDO:0016512.

Submission:

Labcorp Genetics (formerly Invitae), Labcorp
Classification: Uncertain significance for Kabuki syndrome. Last evaluated: 2023-12-22. Review status: criteria provided, single submitter. Criteria: Invitae Variant Classification Sherloc (09022015). Collection method: clinical testing. Allele origin: germline.
Comment: This sequence change replaces serine, which is neutral and polar, with cysteine, which is neutral and slightly polar, at codon 4789 of the KMT2D protein (p.Ser4789Cys). This variant is not present in population databases (gnomAD no frequency). This variant has not been reported in the literature in individuals affected with KMT2D-related conditions. Advanced modeling of protein sequence and biophysical properties (such as structural, functional, and spatial information, amino acid conservation, physicochemical variation, residue mobility, and thermodynamic stability) has been performed at Invitae for this missense variant, however the output from this modeling did not meet the statistical confidence thresholds required to predict the impact of this variant on KMT2D protein function. In summary, the available evidence is currently insufficient to determine the role of this variant in disease. Therefore, it has been classified as a Variant of Uncertain Significance.